The following is an entry in ClinVar:

NM_020795.4(NLGN2):c.458G>A (p.Gly153Asp)

Gene: NLGN2 (neuroligin 2; plus strand). Cytogenetic location: 17p13.1.
Variant type: single nucleotide variant.
Coding change: c.458G>A on transcript NM_020795.4 (MANE Select); coding-DNA position 458, G replaced by A.
Protein change: p.Gly153Asp; replaces glycine 153 with aspartic acid.
Molecular consequence: missense variant.
Genome position (GRCh38, 1-based): chr17:7,412,157, G>A. VCF-style: chr17-7412157-G-A. GRCh37 (hg19) VCF-style: chr17-7315476-G-A.
Other names: short protein forms G153D.
Identifiers: ClinVar variation 3777626 (VCV003777626.1).

ClinVar aggregate classification (germline): Uncertain significance (1 of 4 stars; one submission).

Submission:

GeneDx
Classification: Uncertain significance. Last evaluated: 2024-10-11. Review status: criteria provided, single submitter. Criteria: GeneDx Variant Classification Process June 2021. Collection method: clinical testing. Allele origin: germline. Affected: yes.
Comment: Not observed at significant frequency in large population cohorts (gnomAD); In silico analysis supports that this missense variant has a deleterious effect on protein structure/function; Has not been previously published as pathogenic or benign to our knowledge